The following is an entry in ClinVar:

NM_001004334.4(GPR179):c.436A>G (p.Arg146Gly)

Gene: GPR179 (G protein-coupled receptor 179; minus strand). Cytogenetic location: 17q12.
Variant type: single nucleotide variant.
Coding change: c.436A>G on transcript NM_001004334.4 (MANE Select); coding-DNA position 436, A replaced by G.
Protein change: p.Arg146Gly; replaces arginine 146 with glycine.
Molecular consequence: missense variant.
Genome position (GRCh38, 1-based): chr17:38,343,354, T>C on the plus strand (A>G on the coding strand, the complement: GPR179 is on the minus strand). VCF-style: chr17-38343354-T-C. GRCh37 (hg19) VCF-style: chr17-36499237-T-C.
Other names: short protein forms R146G.
Identifiers: ClinVar variation 1512241 (VCV001512241.8), dbSNP rs980148413, ClinGen allele CA290111635.

ClinVar aggregate classification (germline): Uncertain significance (1 of 4 stars; one submission).

Allele frequency attached by ClinVar (database versions not stated): TOPMed 0.00001.

Submission:

Labcorp Genetics (formerly Invitae), Labcorp
Classification: Uncertain significance. Last evaluated: 2022-11-22. Review status: criteria provided, single submitter. Criteria: Invitae Variant Classification Sherloc (09022015). Collection method: clinical testing. Allele origin: germline.
Comment: In summary, the available evidence is currently insufficient to determine the role of this variant in disease. Therefore, it has been classified as a Variant of Uncertain Significance. Algorithms developed to predict the effect of missense changes on protein structure and function are either unavailable or do not agree on the potential impact of this missense change (SIFT: "Deleterious"; PolyPhen-2: "Probably Damaging"; Align-GVGD: "Class C0"). ClinVar contains an entry for this variant (Variation ID: 1512241). This variant has not been reported in the literature in individuals affected with GPR179-related conditions. This variant is not present in population databases (gnomAD no frequency). This sequence change replaces arginine, which is basic and polar, with glycine, which is neutral and non-polar, at codon 146 of the GPR179 protein (p.Arg146Gly).